The following is an entry in ClinVar:

NM_001378457.1(DMXL2):c.8195A>G (p.Lys2732Arg)

Gene: DMXL2 (Dmx like 2; minus strand). Cytogenetic location: 15q21.2.
Variant type: single nucleotide variant.
Coding change: c.8195A>G on transcript NM_001378457.1 (MANE Select); coding-DNA position 8195, A replaced by G.
Protein change: p.Lys2732Arg; replaces lysine 2732 with arginine.
Molecular consequence: missense variant. On other transcripts: non-coding transcript variant (2).
Genome position (GRCh38, 1-based): chr15:51,458,509, T>C on the plus strand (A>G on the coding strand, the complement: DMXL2 is on the minus strand). VCF-style: chr15-51458509-T-C. GRCh37 (hg19) VCF-style: chr15-51750706-T-C.
Other names: c.8132A>G, p.Lys2711Arg (NM_001174116.3); c.6221A>G, p.Lys2074Arg (NM_001174117.3); c.8192A>G, p.Lys2731Arg (NM_001378458.1); c.7907A>G, p.Lys2636Arg (NM_001378459.1); c.6110A>G, p.Lys2037Arg (NM_001378460.1); c.8129A>G, p.Lys2710Arg (NM_015263.5); short protein forms K2710R, K2711R, K2731R, K2732R, K2074R, K2636R, K2037R.
Identifiers: ClinVar variation 1431513 (VCV001431513.6), dbSNP rs767565572, ClinGen allele CA7561130.

ClinVar aggregate classification (germline): Uncertain significance (1 of 4 stars; one submission).

Allele frequency attached by ClinVar (database versions not stated): gnomAD exomes 0.00001; ExAC 0.00002; gnomAD 0.00003; TOPMed 0.00005.
gnomAD v4.1: 13 of 1,613,278 alleles (0.00081%); highest among the groups gnomAD compares: African/African-American, 0.008%; no homozygotes.

Submission:

Labcorp Genetics (formerly Invitae), Labcorp
Classification: Uncertain significance. Last evaluated: 2026-01-12. Review status: criteria provided, single submitter. Criteria: Invitae Variant Classification Sherloc (09022015). Collection method: clinical testing. Allele origin: germline.
Comment: This sequence change replaces lysine, which is basic and polar, with arginine, which is basic and polar, at codon 2711 of the DMXL2 protein (p.Lys2711Arg). This variant is present in population databases (rs767565572, gnomAD 0.008%). This variant has not been reported in the literature in individuals affected with DMXL2-related conditions. ClinVar contains an entry for this variant (Variation ID: 1431513). An algorithm developed to predict the effect of missense changes on protein structure and function (PolyPhen-2) suggests that this variant is likely to be tolerated. In summary, the available evidence is currently insufficient to determine the role of this variant in disease. Therefore, it has been classified as a Variant of Uncertain Significance.